The following is an entry in ClinVar:

NM_004006.3(DMD):c.93+5620A>T

Gene: DMD (dystrophin; minus strand). Cytogenetic location: Xp21.1.
Variant type: single nucleotide variant.
Coding change: c.93+5620A>T on transcript NM_004006.3 (MANE Select); 5620 bases into the intron after coding-DNA position 93, A replaced by T.
Molecular consequence: intron variant.
Genome position (GRCh38, 1-based): chrX:33,014,519, T>A on the plus strand (A>T on the coding strand, the complement: DMD is on the minus strand). VCF-style: chrX-33014519-T-A. GRCh37 (hg19) VCF-style: chrX-33032636-T-A.
Other names: c.69+5620A>T (NM_000109.4); c.81+5620A>T (NM_004009.3); c.-277+5620A>T (NM_004010.3).
Identifiers: ClinVar variation 671393 (VCV000671393.2), dbSNP rs56798145, ClinGen allele CA328596513.
Genomic context (GRCh38, chrX:33,014,519, plus strand): 5'-GAAGTAGAAGAATGCAAAATGTTACGGAGATTGAATTTCTCACCAGTCAGATTGTTGGGG[T>A]TACTAGTTGCTGCAGGAACAGATTCAACCAATGTAGAGAAACAAGGAAATATGGCTTATT-3'

ClinVar aggregate classification (germline): Benign. Review status: criteria provided, single submitter (1 of 4 stars). 2 submissions from 2 submitters: Benign (1). 1 of the submissions does not count toward it. Last evaluated 2018-06-14.

Conditions:
Dystrophin deficiency.

Allele frequency attached by ClinVar (database versions not stated): 1000 Genomes Project 0.04450; gnomAD 0.04537 and 0.04903; 1000 Genomes Project 30x 0.04724; TOPMed 0.05179.
gnomAD v4.1: 5,011 of 111,370 alleles (4.5%); highest among the groups gnomAD compares: African/African-American, 15%; 292 homozygotes.

Submissions (2):

GeneDx
Classification: Benign. Last evaluated: 2018-06-14. Review status: criteria provided, single submitter. Criteria: GeneDx Variant Classification (06012015). Collection method: clinical testing. Allele origin: germline. Affected: yes.
Comment: This variant is considered likely benign or benign based on one or more of the following criteria: it is a conservative change, it occurs at a poorly conserved position in the protein, it is predicted to be benign by multiple in silico algorithms, and/or has population frequency not consistent with disease.

Natera, Inc.
Classification: Benign for Dystrophin deficiency. Last evaluated: 2020-04-11. Review status: no assertion criteria provided. Collection method: clinical testing. Allele origin: germline. Not counted in ClinVar's aggregate classification.